The following is an entry in ClinVar:

NM_015295.3(SMCHD1):c.2421_2422delinsTA (p.Arg807_Pro808delinsSerThr)

Gene: SMCHD1 (structural maintenance of chromosomes flexible hinge domain containing 1; plus strand). Cytogenetic location: 18p11.32.
Variant type: Indel.
Coding change: c.2421_2422delinsTA on transcript NM_015295.3 (MANE Select); coding-DNA positions 2421 to 2422, AC replaced by TA.
Protein change: p.Arg807_Pro808delinsSerThr.
Molecular consequence: missense variant.
Genome position (GRCh38, 1-based): chr18:2,718,397-2,718,398, AC replaced by TA. VCF-style: chr18-2718397-AC-TA. GRCh37 (hg19) VCF-style: chr18-2718395-AC-TA.
Identifiers: ClinVar variation 2841865 (VCV002841865.3), dbSNP rs2510062350, ClinGen allele CA2739268521.
Genomic context (GRCh38, chr18:2,718,397, plus strand): 5'-TTATACCTTGAAATTACAAGTTGTGTTGAATGAAAGTAATGCAGACACTTATGCAGGAAG[AC>TA]CACTACCATCTAAAGCAATTAAGTTTTCTGTTAAAGGTAAGCAAAACAGTAATATATAAT-3'

ClinVar aggregate classification (germline): Uncertain significance (1 of 4 stars; one submission).

Conditions:
Facioscapulohumeral muscular dystrophy 2 (FSHD2). Also called: MUSCULAR DYSTROPHY, FACIOSCAPULOHUMERAL, TYPE 1B; FSHD2, DIGENIC; FACIOSCAPULOHUMERAL MUSCULAR DYSTROPHY 2, DIGENIC. Identifiers: Orphanet 269, MedGen C1834671, MONDO:0008031, OMIM 158901.

Submission:

Labcorp Genetics (formerly Invitae), Labcorp
Classification: Uncertain significance for Facioscapulohumeral muscular dystrophy 2. Last evaluated: 2023-03-01. Review status: criteria provided, single submitter. Criteria: Invitae Variant Classification Sherloc (09022015). Collection method: clinical testing. Allele origin: germline.
Comment: Information on the frequency of this variant in the gnomAD database is not available, as this variant may be reported differently in the database. This variant, c.2421_2422delinsTA, is a complex sequence change that results in the deletion of 2 and insertion of 2 amino acid(s) in the SMCHD1 protein (p.Arg807_Pro808delinsSerThr). This variant has not been reported in the literature in individuals affected with SMCHD1-related conditions. In summary, the available evidence is currently insufficient to determine the role of this variant in disease. Therefore, it has been classified as a Variant of Uncertain Significance. Experimental studies and prediction algorithms are not available or were not evaluated, and the functional significance of this variant is currently unknown.